The following is an entry in ClinVar:

NC_000015.10:g.(?_44564537)_(44663657_?)dup

Gene: SPG11 (SPG11 vesicle trafficking associated, spatacsin; minus strand). Cytogenetic location: 15q21.1.
Variant type: Duplication.
Identifiers: ClinVar variation 831839 (VCV000831839.5).

ClinVar aggregate classification (germline): Uncertain significance (1 of 4 stars; one submission).

Conditions:
Hereditary spastic paraplegia 11. Also called: Nakamura Osame syndrome; Autosomal recessive hereditary spastic paraplegia, mental impairment, and thin corpus callosum; Spastic Paraplegia 11; Spastic paraplegia, mental retardation and thin corpus callosum; SPASTIC PARAPLEGIA, AUTOSOMAL RECESSIVE, COMPLICATED, WITH THIN CORPUS CALLOSUM; SPASTIC PARAPLEGIA, AUTOSOMAL RECESSIVE, WITH MENTAL IMPAIRMENT AND THIN CORPUS CALLOSUM. Identifiers: Orphanet 2822, MedGen C1858479, MONDO:0011445, OMIM 604360.

Submission:

Labcorp Genetics (formerly Invitae), Labcorp
Classification: Uncertain significance for Hereditary spastic paraplegia 11. Last evaluated: 2020-04-27. Review status: criteria provided, single submitter. Criteria: Invitae Variant Classification Sherloc (09022015). Collection method: clinical testing. Allele origin: germline.
Comment: This variant results in a copy number gain of the genomic region encompassing exons 1-39 of the SPG11 gene, which includes the initiator codon. The 5' end of this event is unknown as it extends beyond the assayed region for this gene and therefore may encompass additional genes. The 3' boundary is likely confined to intron 39 of the SPG11 gene. As the precise location of this event is unknown, it may be in tandem or it may be located elsewhere in the genome. This variant has not been reported in the literature in individuals with SPG11-related conditions. In summary, the available evidence is currently insufficient to determine the role of this variant in disease. Therefore, it has been classified as a Variant of Uncertain Significance.